The following continues an entry in ClinVar:

NM_178229.5(IQGAP3):c.3976+5G>A

Gene: IQGAP3. ClinVar aggregate classification (germline): Benign.

Submissions 33 to 44 of 44:

Dr. Peter K. Rogan Lab, Western University
No classification provided (evidence only). Condition: Gastric cancer. Review status: no classification provided. Collection method: in vitro. Allele origin: not applicable. Functional consequence: retained intron. Not counted in ClinVar's aggregate classification.

Dr. Peter K. Rogan Lab, Western University
No classification provided (evidence only). Condition: Adrenocortical carcinoma, hereditary. Review status: no classification provided. Collection method: in vitro. Allele origin: not applicable. Functional consequence: retained intron. Not counted in ClinVar's aggregate classification.

Dr. Peter K. Rogan Lab, Western University
No classification provided (evidence only). Condition: Uterine carcinosarcoma. Review status: no classification provided. Collection method: in vitro. Allele origin: not applicable. Functional consequence: retained intron. Not counted in ClinVar's aggregate classification.

Dr. Peter K. Rogan Lab, Western University
No classification provided (evidence only). Condition: Malignant tumor of esophagus. Review status: no classification provided. Collection method: in vitro. Allele origin: not applicable. Functional consequence: retained intron. Not counted in ClinVar's aggregate classification.

Dr. Peter K. Rogan Lab, Western University
No classification provided (evidence only). Condition: Malignant tumor of esophagus. Review status: no classification provided. Collection method: in vitro. Allele origin: not applicable. Functional consequence: retained intron. Not counted in ClinVar's aggregate classification.

Dr. Peter K. Rogan Lab, Western University
No classification provided (evidence only). Condition: Malignant tumor of esophagus. Review status: no classification provided. Collection method: in vitro. Allele origin: not applicable. Functional consequence: retained intron. Not counted in ClinVar's aggregate classification.

Dr. Peter K. Rogan Lab, Western University
No classification provided (evidence only). Condition: Malignant tumor of esophagus. Review status: no classification provided. Collection method: in vitro. Allele origin: not applicable. Functional consequence: retained intron. Not counted in ClinVar's aggregate classification.

Dr. Peter K. Rogan Lab, Western University
No classification provided (evidence only). Condition: Nonpapillary renal cell carcinoma. Review status: no classification provided. Collection method: in vitro. Allele origin: not applicable. Functional consequence: retained intron. Not counted in ClinVar's aggregate classification.

Dr. Peter K. Rogan Lab, Western University
No classification provided (evidence only). Condition: Familial pancreatic carcinoma. Review status: no classification provided. Collection method: in vitro. Allele origin: not applicable. Functional consequence: retained intron. Not counted in ClinVar's aggregate classification.

Dr. Peter K. Rogan Lab, Western University
No classification provided (evidence only). Condition: Familial pancreatic carcinoma. Review status: no classification provided. Collection method: in vitro. Allele origin: not applicable. Functional consequence: retained intron. Not counted in ClinVar's aggregate classification.

Dr. Peter K. Rogan Lab, Western University
No classification provided (evidence only). Condition: Familial pancreatic carcinoma. Review status: no classification provided. Collection method: in vitro. Allele origin: not applicable. Functional consequence: retained intron. Not counted in ClinVar's aggregate classification.

Dr. Peter K. Rogan Lab, Western University
No classification provided (evidence only). Condition: Ovarian cancer. Review status: no classification provided. Collection method: in vitro. Allele origin: not applicable. Functional consequence: retained intron. Not counted in ClinVar's aggregate classification.